The following is an entry in ClinVar:

ClinVar aggregate classification (germline): Conflicting classifications of pathogenicity. Review status: criteria provided, conflicting classifications (1 of 4 stars). 3 submissions from 3 submitters: Pathogenic (1); Uncertain significance (1). 1 of the submissions does not count toward it. Last evaluated 2024-02-14.

Conditions:
Intellectual developmental disorder, autosomal dominant 50, with behavioral abnormalities. Also called: MENTAL RETARDATION, AUTOSOMAL DOMINANT 50; Intellectual disability, autosomal dominant 50. Identifiers: MedGen C4540470, MONDO:0030916, OMIM 617787.
Inborn genetic diseases. Identifiers: MedGen C0950123, MeSH D030342.

Submissions (3):

Ambry Genetics
Classification: Uncertain significance for Inborn genetic diseases. Last evaluated: 2024-02-14. Review status: criteria provided, single submitter. Criteria: Ambry Variant Classification Scheme 2023. Collection method: clinical testing. Allele origin: germline.
Comment: The c.134A>G (p.H45R) alteration is located in exon 2 (coding exon 2) of the NAA15 gene. This alteration results from an A to G substitution at nucleotide position 134, causing the histidine (H) at amino acid position 45 to be replaced by an arginine (R). This variant was not reported in population-based cohorts in the Genome Aggregation Database (gnomAD). This amino acid position is highly conserved in available vertebrate species. This missense alteration is located in a region that has a low rate of benign missense variation (Lek, 2016; Firth, 2009). This alteration is predicted to be deleterious by in silico analysis. Based on insufficient or conflicting evidence, the clinical significance of this alteration remains unclear.

GeneDx
Classification: Pathogenic. Last evaluated: 2024-02-13. Review status: criteria provided, single submitter. Criteria: GeneDx Variant Classification Process June 2021. Collection method: clinical testing. Allele origin: germline. Affected: yes.
Comment: Not observed at significant frequency in large population cohorts (gnomAD); In silico analysis supports that this missense variant has a deleterious effect on protein structure/function; Has not been previously published as pathogenic or benign to our knowledge

Clinical Genetics Laboratory, University Hospital Schleswig-Holstein
Classification: Likely pathogenic for Intellectual developmental disorder, autosomal dominant 50, with behavioral abnormalities. Last evaluated: 2022-05-02. Review status: no assertion criteria provided. Collection method: clinical testing. Allele origin: germline. Affected: yes. Not counted in ClinVar's aggregate classification.

NM_057175.5(NAA15):c.134A>G (p.His45Arg)

Gene: NAA15 (N-alpha-acetyltransferase 15, NatA auxiliary subunit; plus strand). Cytogenetic location: 4q31.1.
Variant type: single nucleotide variant.
Coding change: c.134A>G on transcript NM_057175.5 (MANE Select); coding-DNA position 134, A replaced by G.
Protein change: p.His45Arg; replaces histidine 45 with arginine.
Molecular consequence: missense variant.
Genome position (GRCh38, 1-based): chr4:139,334,253, A>G. VCF-style: chr4-139334253-A-G. GRCh37 (hg19) VCF-style: chr4-140255407-A-G.
Other names: short protein forms H45R.
Identifiers: ClinVar variation 1254431 (VCV001254431.6), dbSNP rs2110895965, ClinGen allele CA358257358.
Genomic context (GRCh38, chr4:139,334,253, plus strand): 5'-AGTATAGAAATGGATTGAAATTCTGTAAACAAATACTTTCTAATCCCAAATTTGCAGAGC[A>G]TGGAGGTAAGTGCAAGTAGATAAAGCTTTACTACATACCTGTCTGGCCTCTCTTACTGGA-3'
Protein context (NP_476516.1, residues 35-55): QILSNPKFAE[His45Arg]GETLAMKGLT